The following is an entry in ClinVar:

NM_000124.4(ERCC6):c.3059del (p.Ala1020fs)

Gene: ERCC6 (ERCC excision repair 6, chromatin remodeling factor; minus strand). Cytogenetic location: 10q11.23.
Variant type: Deletion.
Coding change: c.3059del on transcript NM_000124.4 (MANE Select); coding-DNA position 3059, one base deleted (C; older notation c.3059delC).
Protein change: p.Ala1020fs; shifts the reading frame from alanine 1020.
Molecular consequence: frameshift variant.
Genome position (GRCh38, 1-based): chr10:49,470,986, G deleted on the plus strand (C on the coding strand, the reverse complement: ERCC6 is on the minus strand). VCF-style (leftmost placement, unchanged base first): chr10-49470985-TG-T. GRCh37 (hg19) VCF-style: chr10-50679031-TG-T.
Other names: c.3059del, p.Ala1020fs (NM_001346440.2); short protein forms A1020fs.
Identifiers: ClinVar variation 2078140 (VCV002078140.4), dbSNP rs773944918, ClinGen allele CA5495440.

ClinVar aggregate classification (germline): Pathogenic (1 of 4 stars; one submission).

Allele frequency attached by ClinVar (database versions not stated): gnomAD exomes below 0.00001; ExAC 0.00002.

Submission:

Labcorp Genetics (formerly Invitae), Labcorp
Classification: Pathogenic. Last evaluated: 2022-01-17. Review status: criteria provided, single submitter. Criteria: Invitae Variant Classification Sherloc (09022015). Collection method: clinical testing. Allele origin: germline.
Comment: For these reasons, this variant has been classified as Pathogenic. This variant has not been reported in the literature in individuals affected with ERCC6-related conditions. This variant is present in population databases (rs773944918, gnomAD 0.002%). This sequence change creates a premature translational stop signal (p.Ala1020Glufs*17) in the ERCC6 gene. It is expected to result in an absent or disrupted protein product. Loss-of-function variants in ERCC6 are known to be pathogenic (PMID: 18628313, 29572252).

Literature cited by the submitters: PubMed 18628313; PubMed 29572252.